The following is an entry in ClinVar:

ClinVar aggregate classification (germline): Uncertain significance (1 of 4 stars; one submission).

Conditions:
Pityriasis rubra pilaris (PRP). Also called: Pityriasis rubra pilaris--familial type. Identifiers: Orphanet 2897, MedGen C0032027, MONDO:0100017, OMIM 173200, MONDO:0008251.
Psoriasis 2. Identifiers: MedGen C1864497, MONDO:0011269, OMIM 602723.

gnomAD v4.1: 2 of 1,610,640 alleles (0.00012%); highest among the groups gnomAD compares: Non-Finnish European, 0.00017%; no homozygotes.

Submission:

Labcorp Genetics (formerly Invitae), Labcorp
Classification: Uncertain significance for Pityriasis rubra pilaris; Psoriasis 2. Last evaluated: 2025-12-21. Review status: criteria provided, single submitter. Criteria: Invitae Variant Classification Sherloc (09022015). Collection method: clinical testing. Allele origin: germline.
Comment: This sequence change replaces leucine, which is neutral and non-polar, with valine, which is neutral and non-polar, at codon 233 of the CARD14 protein (p.Leu233Val). This variant is not present in population databases (gnomAD no frequency). This variant has not been reported in the literature in individuals affected with CARD14-related conditions. Invitae Evidence Modeling of protein sequence and biophysical properties (such as structural, functional, and spatial information, amino acid conservation, physicochemical variation, residue mobility, and thermodynamic stability) indicates that this missense variant is not expected to disrupt CARD14 protein function with a negative predictive value of 95%. In summary, the available evidence is currently insufficient to determine the role of this variant in disease. Therefore, it has been classified as a Variant of Uncertain Significance.

NM_001366385.1(CARD14):c.697C>G (p.Leu233Val)

Gene: CARD14 (caspase recruitment domain family member 14; plus strand). Cytogenetic location: 17q25.3.
Variant type: single nucleotide variant.
Coding change: c.697C>G on transcript NM_001366385.1 (MANE Select); coding-DNA position 697, C replaced by G.
Protein change: p.Leu233Val; replaces leucine 233 with valine.
Molecular consequence: missense variant. On other transcripts: 5 prime UTR variant (1), non-coding transcript variant (1).
Genome position (GRCh38, 1-based): chr17:80,188,398, C>G. VCF-style: chr17-80188398-C-G. GRCh37 (hg19) VCF-style: chr17-78162197-C-G.
Other names: c.697C>G, p.Leu233Val (NM_001257970.1, NM_024110.4); c.-15C>G (NM_052819.3); short protein forms L233V.
Identifiers: ClinVar variation 4791767 (VCV004791767.1).